The following is an entry in ClinVar:

ClinVar aggregate classification (germline): Benign (1 of 4 stars; one submission).

Conditions:
Papillary renal cell carcinoma type 1 (RCCP1). Also called: Renal adenocarcinoma; Renal cell carcinoma 1; Renal cell carcinoma, somatic; RENAL CELL CARCINOMA, PAPILLARY, 1, SOMATIC. Identifiers: Orphanet 47044, MedGen C1336839, OMIM 605074, HP:0011797.

Submission:

Myriad Genetics, Inc.
Classification: Benign for Papillary renal cell carcinoma type 1. Last evaluated: 2024-11-07. Review status: criteria provided, single submitter. Criteria: Myriad Autosomal Dominant, Autosomal Recessive and X-Linked Classification Criteria (2023). Collection method: clinical testing. Allele origin: unknown.
Comment: This variant is considered benign. This variant is a silent/synonymous amino acid change and it is not expected to impact splicing.

NM_000245.4(MET):c.1347C>T (p.Asp449=)

Gene: MET (MET proto-oncogene, receptor tyrosine kinase; plus strand). Cytogenetic location: 7q31.2.
Variant type: single nucleotide variant.
Coding change: c.1347C>T on transcript NM_000245.4 (MANE Select); coding-DNA position 1347, C replaced by T.
Protein change: p.Asp449=; no amino-acid change (aspartic acid 449 retained).
Molecular consequence: synonymous variant.
Genome position (GRCh38, 1-based): chr7:116,731,814, C>T. VCF-style: chr7-116731814-C-T. GRCh37 (hg19) VCF-style: chr7-116371868-C-T.
Other names: c.1347C>T, p.Asp449= (NM_001127500.3, NM_001324401.3); c.57C>T, p.Asp19= (NM_001324402.2).
Identifiers: ClinVar variation 3773118 (VCV003773118.1).
Genomic context (GRCh38, chr7:116,731,814, plus strand): 5'-ATTCATGGGTCAATTCAGCGAAGTCCTCTTAACATCTATATCCACCTTCATTAAAGGAGA[C>T]CTCACCATAGCTAATCTTGGGACATCAGAGGGTCGCTTCATGCAGGTAAGTGCTTTCTGA-3'
Protein context (NP_000236.2, residues 439-459): LTSISTFIKG[Asp449=]LTIANLGTSE